The following is an entry in ClinVar:

ClinVar aggregate classification (germline): Uncertain significance (1 of 4 stars; one submission).

gnomAD v4.1: 6 of 1,551,686 alleles (0.00039%); highest among the groups gnomAD compares: Non-Finnish European, 0.00052%; no homozygotes.

Submission:

Labcorp Genetics (formerly Invitae), Labcorp
Classification: Uncertain significance. Last evaluated: 2022-03-23. Review status: criteria provided, single submitter. Criteria: Invitae Variant Classification Sherloc (09022015). Collection method: clinical testing. Allele origin: germline.
Comment: In summary, the available evidence is currently insufficient to determine the role of this variant in disease. Therefore, it has been classified as a Variant of Uncertain Significance. Algorithms developed to predict the effect of missense changes on protein structure and function are either unavailable or do not agree on the potential impact of this missense change (SIFT: "Not Available"; PolyPhen-2: "Probably Damaging"; Align-GVGD: "Not Available"). This variant has not been reported in the literature in individuals affected with UNC80-related conditions. This variant is not present in population databases (gnomAD no frequency). This sequence change replaces histidine, which is basic and polar, with glutamine, which is neutral and polar, at codon 2119 of the UNC80 protein (p.His2119Gln).

NM_001371986.1(UNC80):c.6555C>G (p.His2185Gln)

Gene: UNC80 (unc-80 subunit of NALCN channel complex; plus strand). Cytogenetic location: 2q34.
Variant type: single nucleotide variant.
Coding change: c.6555C>G on transcript NM_001371986.1 (MANE Select); coding-DNA position 6555, C replaced by G.
Protein change: p.His2185Gln; replaces histidine 2185 with glutamine.
Molecular consequence: missense variant.
Genome position (GRCh38, 1-based): chr2:209,939,561, C>G. VCF-style: chr2-209939561-C-G. GRCh37 (hg19) VCF-style: chr2-210804285-C-G.
Other names: c.6357C>G, p.His2119Gln (NM_032504.2); c.6342C>G, p.His2114Gln (NM_182587.4); short protein forms H2185Q, H2119Q, H2114Q.
Identifiers: ClinVar variation 1509162 (VCV001509162.8), dbSNP rs78714720, ClinGen allele CA350772025.